The following is an entry in ClinVar:

NM_017763.6(RNF43):c.1041C>T (p.Gly347=)

Gene: RNF43 (ring finger protein 43; minus strand). Cytogenetic location: 17q22.
Variant type: single nucleotide variant.
Coding change: c.1041C>T on transcript NM_017763.6 (MANE Select); coding-DNA position 1041, C replaced by T.
Protein change: p.Gly347=; no amino-acid change (glycine 347 retained).
Molecular consequence: synonymous variant.
Genome position (GRCh38, 1-based): chr17:58,358,735, G>A on the plus strand (C>T on the coding strand, the complement: RNF43 is on the minus strand). VCF-style: chr17-58358735-G-A. GRCh37 (hg19) VCF-style: chr17-56436096-G-A.
Other names: c.1041C>T, p.Gly347= (NM_001305544.3, NM_001438820.1, NM_001438821.1 and 1 more transcripts); c.660C>T, p.Gly220= (NM_001305545.2, NM_001437987.1).
Identifiers: ClinVar variation 5042438 (VCV005042438.1).
Genomic context (GRCh38, chr17:58,358,735, plus strand): 5'-AGCCACTGCACTCCGGGAAGGGCCCAACAGGTAGGCAGCAGGGAGGTGGTAGTGGGCATG[G>A]CCGGGATGCTGGCGAATGAGGTGGAGTCTTCGACCTGGTTCTTGGTAAGATCGAGAGGGT-3'
Protein context (NP_060233.3, residues 337-357): RRLHLIRQHP[Gly347=]HAHYHLPAAY

ClinVar aggregate classification (germline): Benign (1 of 4 stars; one submission).

Conditions:
Sessile serrated polyposis cancer syndrome (SSPCS). Identifiers: Orphanet 157798, MedGen C4310714, MONDO:0014919, OMIM 617108.

Submission:

Myriad Genetics, Inc.
Classification: Benign for Sessile serrated polyposis cancer syndrome. Last evaluated: 2026-07-01. Review status: criteria provided, single submitter. Criteria: Myriad Autosomal Dominant, Autosomal Recessive and X-Linked Classification Criteria (2023). Collection method: clinical testing. Allele origin: unknown.
Comment: This variant is considered benign. This variant is a silent/synonymous amino acid change and it is not expected to impact splicing.